The following is an entry in ClinVar:

ClinVar aggregate classification (germline): Conflicting classifications of pathogenicity. Review status: criteria provided, conflicting classifications (1 of 4 stars). 5 submissions from 5 submitters: Uncertain significance (2); Likely benign (2). 1 of the submissions does not count toward it. Last evaluated 2026-02-19.

Conditions:
Fumarase deficiency (FMRD). Also called: Fumarate Hydratase Deficiency; Fumaric aciduria. Identifiers: Orphanet 24, MedGen C0342770, MONDO:0011730, OMIM 606812.
Hereditary cancer-predisposing syndrome. Also called: Hereditary Cancer Syndrome; Neoplastic Syndromes, Hereditary; Tumor predisposition; Hereditary neoplastic syndrome. Identifiers: Orphanet 140162, MedGen C0027672, MeSH D009386, MONDO:0015356.

Allele frequency attached by ClinVar (database versions not stated): TOPMed below 0.00001; gnomAD exomes 0.00001.
gnomAD v4.1: 14 of 1,613,364 alleles (0.00087%); highest among the groups gnomAD compares: Non-Finnish European, 0.0011%; no homozygotes.

Submissions (5):

Ambry Genetics
Classification: Likely benign for Hereditary cancer-predisposing syndrome. Last evaluated: 2026-02-19. Review status: criteria provided, single submitter. Criteria: Ambry Variant Classification Scheme 2023. Collection method: clinical testing. Allele origin: germline.

Quest Diagnostics Nichols Institute San Juan Capistrano
Classification: Uncertain significance. Last evaluated: 2024-10-16. Review status: criteria provided, single submitter. Criteria: Quest Diagnostics criteria. Collection method: clinical testing. Allele origin: unknown.
Comment: The FH c.1390+5G>A variant has not been reported in individuals with FH-related conditions in the published literature. It also has not been reported in large, multi-ethnic general populations (Genome Aggregation Database). Analysis of this variant using software algorithms for the prediction of the effect of nucleotide changes on splicing yielded predictions that this variant may affect proper FH mRNA splicing. Based on the available information, we are unable to determine the clinical significance of this variant.

Labcorp Genetics (formerly Invitae), Labcorp
Classification: Likely benign. Last evaluated: 2024-10-02. Review status: criteria provided, single submitter. Criteria: Invitae Variant Classification Sherloc (09022015). Collection method: clinical testing. Allele origin: germline.

GeneDx
Classification: Uncertain significance. Last evaluated: 2022-08-18. Review status: criteria provided, single submitter. Criteria: GeneDx Variant Classification Process June 2021. Collection method: clinical testing. Allele origin: germline. Affected: yes.
Comment: Not observed at significant frequency in large population cohorts (gnomAD); In silico analysis supports that this variant does not alter splicing; Has not been previously published as pathogenic or benign to our knowledge

Natera, Inc.
Classification: Uncertain significance for Fumarase Deficiency. Last evaluated: 2021-10-11. Review status: no assertion criteria provided. Collection method: clinical testing. Allele origin: germline. Not counted in ClinVar's aggregate classification.

NM_000143.4(FH):c.1390+5G>A

Gene: FH (fumarate hydratase; minus strand). Cytogenetic location: 1q43.
Variant type: single nucleotide variant.
Coding change: c.1390+5G>A on transcript NM_000143.4 (MANE Select); 5 bases into the intron after coding-DNA position 1390, G replaced by A.
Molecular consequence: intron variant.
Genome position (GRCh38, 1-based): chr1:241,500,432, C>T on the plus strand (G>A on the coding strand, the complement: FH is on the minus strand). VCF-style: chr1-241500432-C-T. GRCh37 (hg19) VCF-style: chr1-241663732-C-T.
Other names: c.1390+5G>A (NM_000143.3).
Identifiers: ClinVar variation 1063305 (VCV001063305.13), dbSNP rs1352808353, ClinGen allele CA733679842.